The following is an entry in ClinVar:

NM_022841.7(RFX7):c.3745dup (p.Ile1249fs)

Gene: RFX7 (regulatory factor X7; minus strand). Cytogenetic location: 15q21.3.
Variant type: Duplication.
Coding change: c.3745dup on transcript NM_022841.7 (MANE Select); coding-DNA position 3745, one base duplicated (A; older notation c.3745dupA).
Protein change: p.Ile1249fs; shifts the reading frame from isoleucine 1249.
Molecular consequence: frameshift variant.
Genome position (GRCh38, 1-based): chr15:56,093,983, T duplicated on the plus strand (A on the coding strand, the reverse complement: RFX7 is on the minus strand); the first of 7 consecutive T bases (chr15:56,093,983-56,093,989); duplicating any one gives the same sequence. VCF-style (leftmost placement, unchanged base first): chr15-56093982-A-AT. GRCh37 (hg19) VCF-style: chr15-56386180-A-AT.
Other names: c.3454dup, p.Ile1152fs (NM_001368073.2, NM_001368074.1, NM_001370554.1); c.3745dup, p.Ile1249fs (NM_001370561.1); short protein forms I1152fs, I1249fs.
Identifiers: ClinVar variation 3900495 (VCV003900495.1).

ClinVar aggregate classification (germline): Uncertain significance (1 of 4 stars; one submission).

Submission:

GeneDx
Classification: Uncertain significance. Last evaluated: 2024-11-18. Review status: criteria provided, single submitter. Criteria: GeneDx Variant Classification Process June 2021. Collection method: clinical testing. Allele origin: germline. Affected: yes.
Comment: Not observed at significant frequency in large population cohorts (gnomAD); Frameshift variant predicted to result in abnormal protein length as the last 212 amino acids are replaced with 7 different amino acids; Has not been previously published as pathogenic or benign to our knowledge